The following is an entry in ClinVar:

NM_001875.5(CPS1):c.1770T>A (p.Tyr590Ter)

Gene: CPS1 (carbamoyl-phosphate synthase 1; plus strand). Cytogenetic location: 2q34.
Variant type: single nucleotide variant.
Coding change: c.1770T>A on transcript NM_001875.5 (MANE Select); coding-DNA position 1770, T replaced by A.
Protein change: p.Tyr590Ter; replaces tyrosine 590 with a stop codon.
Molecular consequence: nonsense. On other transcripts: non-coding transcript variant (2).
Genome position (GRCh38, 1-based): chr2:210,602,264, T>A. VCF-style: chr2-210602264-T-A. GRCh37 (hg19) VCF-style: chr2-211466988-T-A.
Other names: c.1770T>A, p.Tyr590Ter (NM_001122633.3, NM_001369257.1); c.1803T>A, p.Tyr601Ter (NM_001369256.1); short protein forms Y590*, Y601*.
Identifiers: ClinVar variation 1725506 (VCV001725506.2), dbSNP rs1245368879, ClinGen allele CA350437462.

ClinVar aggregate classification (germline): Likely pathogenic (1 of 4 stars; one submission).

Conditions:
Congenital hyperammonemia, type I. Also called: Carbamoyl phosphate synthetase 1 deficiency; Hyperammonemia due to carbamoyl phosphate synthetase 1 deficiency; CPS 1 deficiency; Carbamyl phosphate synthetase (CPS) deficiency; CPS I DEFICIENCY; Carbamoyl-phosphate synthase I deficiency. Identifiers: Orphanet 147, MedGen C4082171, MONDO:0009376, OMIM 237300.

Submission:

Myriad Genetics, Inc.
Classification: Likely pathogenic for Congenital hyperammonemia, type I. Last evaluated: 2022-03-29. Review status: criteria provided, single submitter. Criteria: Myriad Women's Health Autosomal Recessive and X-Linked Classification Criteria (2021). Collection method: clinical testing. Allele origin: unknown.
Comment: NM_001875.4(CPS1):c.1770T>A(Y590*) is expected to be pathogenic in the context of carbamoylphosphate synthetase I deficiency. This variant is predicted to lead to an abnormal or absent protein product due to the creation of a premature termination codon in CPS1, a gene where loss-of-function variants are known to be pathogenic. Please note: this variant was assessed in the context of healthy population screening.